The following is an entry in ClinVar:

NM_206933.4(USH2A):c.13133C>A (p.Pro4378Gln)

Gene: USH2A (usherin; minus strand). Cytogenetic location: 1q41.
Variant type: single nucleotide variant.
Coding change: c.13133C>A on transcript NM_206933.4 (MANE Select); coding-DNA position 13133, C replaced by A.
Protein change: p.Pro4378Gln; replaces proline 4378 with glutamine.
Molecular consequence: missense variant.
Genome position (GRCh38, 1-based): chr1:215,674,778, G>T on the plus strand (C>A on the coding strand, the complement: USH2A is on the minus strand). VCF-style: chr1-215674778-G-T. GRCh37 (hg19) VCF-style: chr1-215848120-G-T.
Other names: short protein forms P4378Q.
Identifiers: ClinVar variation 1980252 (VCV001980252.1), dbSNP rs570277510, ClinGen allele CA344846458.

ClinVar aggregate classification (germline): Uncertain significance (1 of 4 stars; one submission).

Submission:

Labcorp Genetics (formerly Invitae), Labcorp
Classification: Uncertain significance. Last evaluated: 2022-02-08. Review status: criteria provided, single submitter. Criteria: Invitae Variant Classification Sherloc (09022015). Collection method: clinical testing. Allele origin: germline.
Comment: This sequence change replaces proline, which is neutral and non-polar, with glutamine, which is neutral and polar, at codon 4378 of the USH2A protein (p.Pro4378Gln). This variant is not present in population databases (gnomAD no frequency). This variant has not been reported in the literature in individuals affected with USH2A-related conditions. Algorithms developed to predict the effect of missense changes on protein structure and function (SIFT, PolyPhen-2, Align-GVGD) all suggest that this variant is likely to be disruptive. Algorithms developed to predict the effect of sequence changes on RNA splicing suggest that this variant may create or strengthen a splice site. In summary, the available evidence is currently insufficient to determine the role of this variant in disease. Therefore, it has been classified as a Variant of Uncertain Significance.